The following is an entry in ClinVar:

NM_152564.5(VPS13B):c.6508del (p.Thr2170fs)

Gene: VPS13B (vacuolar protein sorting 13 homolog B; plus strand). Cytogenetic location: 8q22.2.
Variant type: Deletion.
Coding change: c.6508del on transcript NM_152564.5 (MANE Select); coding-DNA position 6508, one base deleted (A; older notation c.6508delA).
Protein change: p.Thr2170fs; shifts the reading frame from threonine 2170.
Molecular consequence: frameshift variant.
Genome position (GRCh38, 1-based): chr8:99,717,224, A deleted; the last of 4 consecutive A bases (chr8:99,717,221-99,717,224); deleting any one gives the same sequence. VCF-style (leftmost placement, unchanged base first): chr8-99717220-TA-T. GRCh37 (hg19) VCF-style: chr8-100729448-TA-T.
Other names: c.6583delA (NM_017890.4); c.6583del, p.Thr2195fs (NM_017890.5); short protein forms T2195fs, T2170fs.
Identifiers: ClinVar variation 371495 (VCV000371495.6), dbSNP rs1057517318, ClinGen allele CA16041245.

ClinVar aggregate classification (germline): Pathogenic. Review status: criteria provided, single submitter (1 of 4 stars). 2 submissions from 2 submitters: Pathogenic (1). 1 of the submissions does not count toward it. Last evaluated 2022-11-30.

Conditions:
Cohen syndrome (COH1). Also called: Cutis verticis gyrata, retinitis pigmentosa, and sensorineural deafness; PEPPER SYNDROME. Identifiers: Orphanet 193, MedGen C0265223, MONDO:0008999, OMIM 216550.

Submissions (2):

Labcorp Genetics (formerly Invitae), Labcorp
Classification: Pathogenic for Cohen syndrome. Last evaluated: 2022-11-30. Review status: criteria provided, single submitter. Criteria: Invitae Variant Classification Sherloc (09022015). Collection method: clinical testing. Allele origin: germline.
Comment: ClinVar contains an entry for this variant (Variation ID: 371495). This sequence change creates a premature translational stop signal (p.Thr2195Glnfs*10) in the VPS13B gene. It is expected to result in an absent or disrupted protein product. Loss-of-function variants in VPS13B are known to be pathogenic (PMID: 15141358, 16648375, 20461111). This variant is not present in population databases (gnomAD no frequency). This variant has not been reported in the literature in individuals affected with VPS13B-related conditions. For these reasons, this variant has been classified as Pathogenic.

Counsyl
Classification: Likely pathogenic for Cohen syndrome. Last evaluated: 2016-10-05. Review status: no assertion criteria provided. Collection method: clinical testing. Allele origin: unknown. Not counted in ClinVar's aggregate classification.

Literature cited by the submitters: PubMed 15141358 (cited by Labcorp Genetics (formerly Invitae), Labcorp); PubMed 16648375 (cited by Labcorp Genetics (formerly Invitae), Labcorp); PubMed 20461111 (cited by Labcorp Genetics (formerly Invitae), Labcorp).